The following is an entry in ClinVar:

ClinVar aggregate classification (germline): Uncertain significance. Review status: criteria provided, multiple submitters, no conflicts (2 of 4 stars). 2 submissions from 2 submitters: Uncertain significance (2). Last evaluated 2025-07-31.

Conditions:
Inborn genetic diseases. Identifiers: MedGen C0950123, MeSH D030342.

Allele frequency attached by ClinVar (database versions not stated): TOPMed below 0.00001; gnomAD exomes 0.00001.

Submissions (2):

Ambry Genetics
Classification: Uncertain significance for Inborn genetic diseases. Last evaluated: 2025-07-31. Review status: criteria provided, single submitter. Criteria: Ambry Variant Classification Scheme 2023. Collection method: clinical testing. Allele origin: germline.

GeneDx
Classification: Uncertain significance. Last evaluated: 2022-05-31. Review status: criteria provided, single submitter. Criteria: GeneDx Variant Classification Process June 2021. Collection method: clinical testing. Allele origin: germline. Affected: yes.
Comment: Not observed at significant frequency in large population cohorts (gnomAD); In silico analysis supports that this missense variant does not alter protein structure/function; Has not been previously published as pathogenic or benign to our knowledge

NM_001128228.3(TPRN):c.827C>T (p.Pro276Leu)

Gene: TPRN (taperin; minus strand). Cytogenetic location: 9q34.3.
Variant type: single nucleotide variant.
Coding change: c.827C>T on transcript NM_001128228.3 (MANE Select); coding-DNA position 827, C replaced by T.
Protein change: p.Pro276Leu; replaces proline 276 with leucine.
Molecular consequence: missense variant.
Genome position (GRCh38, 1-based): chr9:137,199,885, G>A on the plus strand (C>T on the coding strand, the complement: TPRN is on the minus strand). VCF-style: chr9-137199885-G-A. GRCh37 (hg19) VCF-style: chr9-140094337-G-A.
Other names: short protein forms P276L.
Identifiers: ClinVar variation 1802024 (VCV001802024.2), dbSNP rs1270202126, ClinGen allele CA375779550.
Genomic context (GRCh38, chr9:137,199,885, plus strand): 5'-GAGTCGTTGGTGCTGGTGGCTGCGGAGACGCACTGGCGCTGGCTAGGAGTGGCACTGGCA[G>A]GGGGTGAGGCTGGAGTGGCACTCGGGGTCCCGGGGCTGGGGGGCGGGTGGAGGGAGGGAT-3'
Protein context (NP_001121700.2, residues 266-286): GTPSATPASP[Pro276Leu]ASATPSQRQC